The following is an entry in ClinVar:

NM_001673.5(ASNS):c.674-83T>C

Genes: ASNS (asparagine synthetase (glutamine-hydrolyzing); minus strand), CZ1P-ASNS (CZ1P-ASNS readthrough; minus strand). Cytogenetic location: 7q21.3.
Variant type: single nucleotide variant.
Coding change: c.674-83T>C on transcript NM_001673.5 (MANE Select); 83 bases into the intron before coding-DNA position 674, T replaced by C.
Molecular consequence: intron variant.
Genome position (GRCh38, 1-based): chr7:97,859,038, A>G on the plus strand (T>C on the coding strand, the complement: ASNS is on the minus strand). VCF-style: chr7-97859038-A-G. GRCh37 (hg19) VCF-style: chr7-97488350-A-G.
Other names: c.674-83T>C (NM_001352496.2, NM_183356.4, NM_133436.3); c.425-83T>C (NM_001178076.2, NM_001178077.1); c.611-83T>C (NM_001178075.2).
Identifiers: ClinVar variation 1185229 (VCV001185229.6), dbSNP rs11773753, ClinGen allele CA15502756.
Genomic context (GRCh38, chr7:97,859,038, plus strand): 5'-AACAGCTCCAGAAAATCTTGGGCTGGATTAGTTATTGAAATGAAATACACAATCATCAAC[A>G]TCTATCATGATGGTATTTACTCAATGGTGGAGTGTGCCAAATCTTAATGTGTTCCCTCCA-3'

ClinVar aggregate classification (germline): Benign. Review status: criteria provided, multiple submitters, no conflicts (2 of 4 stars). 4 submissions from 4 submitters: Benign (4). Last evaluated 2024-07-15.

Conditions:
Congenital microcephaly - severe encephalopathy - progressive cerebral atrophy syndrome. Also called: ASNS DEFICIENCY; Asparagine synthetase deficiency. Identifiers: Orphanet 391376, MedGen C3809971, MONDO:0014258, OMIM 615574.

Allele frequency attached by ClinVar (database versions not stated): TOPMed 0.11040; gnomAD 0.11189 and 0.11506; 1000 Genomes Project 30x 0.12196; 1000 Genomes Project 0.12440; gnomAD exomes 0.13509.
gnomAD v4.1: 186,744 of 1,405,370 alleles (13%); highest among the groups gnomAD compares: South Asian, 21%; 13,332 homozygotes.

Submissions (4):

Unidad de Genómica Garrahan, Hospital de Pediatría Garrahan
Classification: Benign. Last evaluated: 2024-07-15. Review status: criteria provided, single submitter. Criteria: ACMG Guidelines, 2015. Collection method: clinical testing. Allele origin: germline. Affected: no. Observed: 23 variant alleles.
Comment: This variant is classified as Benign based on local population frequency. This variant was detected in 25% of patients studied in a panel designed for Epileptic and Developmental Encephalopathy and Progressive Myoclonus Epilepsy. Number of patients: 23. Only high quality variants are reported.

Genome-Nilou Lab
Classification: Benign for Congenital microcephaly - severe encephalopathy - progressive cerebral atrophy syndrome. Last evaluated: 2021-07-10. Review status: criteria provided, single submitter. Criteria: ACMG Guidelines, 2015. Collection method: clinical testing. Allele origin: germline. Affected: no.

GeneDx
Classification: Benign. Last evaluated: 2018-07-15. Review status: criteria provided, single submitter. Criteria: GeneDx Variant Classification Process June 2021. Collection method: clinical testing. Allele origin: germline. Affected: yes.

Breakthrough Genomics
Classification: Benign. Review status: criteria provided, single submitter. Criteria: ACMG Guidelines, 2015. Collection method: not provided. Allele origin: germline. Inheritance: Autosomal recessive inheritance. Affected: yes.